The following is an entry in ClinVar:

ClinVar aggregate classification (germline): Likely benign. Review status: criteria provided, multiple submitters, no conflicts (2 of 4 stars). 3 submissions from 3 submitters: Likely benign (3). Last evaluated 2025-05-11.

Conditions:
Autosomal recessive limb-girdle muscular dystrophy type 2J (LGMDR10). Also called: Limb-girdle muscular dystrophy, type 2J; MUSCULAR DYSTROPHY, LIMB-GIRDLE, AUTOSOMAL RECESSIVE 10. Identifiers: Orphanet 140922, MedGen C1837342, MONDO:0012127, OMIM 608807.
Dilated cardiomyopathy 1G (CMD1G). Identifiers: Orphanet 154, MedGen C1858763, MONDO:0011400, OMIM 604145.
Cardiovascular phenotype. Identifiers: MedGen CN230736.

Allele frequency attached by ClinVar (database versions not stated): gnomAD exomes below 0.00001; gnomAD 0.00001 and 0.00002; TOPMed 0.00002; ESP Exome Variant Server 0.00008; 1000 Genomes Project 30x 0.00016; 1000 Genomes Project 0.00020.

Submissions (3):

Labcorp Genetics (formerly Invitae), Labcorp
Classification: Likely benign for Dilated cardiomyopathy 1G; Autosomal recessive limb-girdle muscular dystrophy type 2J. Last evaluated: 2025-05-11. Review status: criteria provided, single submitter. Criteria: Invitae Variant Classification Sherloc (09022015). Collection method: clinical testing. Allele origin: germline.

CeGaT Center for Human Genetics Tuebingen
Classification: Likely benign. Last evaluated: 2023-12-01. Review status: criteria provided, single submitter. Criteria: CeGaT Center For Human Genetics Tuebingen Variant Classification Criteria Version 2. Collection method: clinical testing. Allele origin: germline. Affected: yes. Observed: 1 variant allele.
Comment: TTN: BP4, BP7

Ambry Genetics
Classification: Likely benign for Cardiovascular phenotype. Last evaluated: 2022-04-19. Review status: criteria provided, single submitter. Criteria: Ambry Variant Classification Scheme 2023. Collection method: clinical testing. Allele origin: germline.

NM_001267550.2(TTN):c.101970T>C (p.Asp33990=)

Genes: TTN (titin; minus strand), TTN-AS1 (TTN antisense RNA 1; plus strand). Cytogenetic location: 2q31.2.
Variant type: single nucleotide variant.
Coding change: c.101970T>C on transcript NM_001267550.2 (MANE Select); coding-DNA position 101970, T replaced by C.
Protein change: p.Asp33990=; no amino-acid change (aspartic acid 33990 retained).
Molecular consequence: synonymous variant.
Genome position (GRCh38, 1-based): chr2:178,534,645, A>G on the plus strand (T>C on the coding strand, the complement: TTN is on the minus strand). VCF-style: chr2-178534645-A-G. GRCh37 (hg19) VCF-style: chr2-179399372-A-G.
Other names: c.97047T>C, p.Asp32349= (NM_001256850.1); c.74775T>C, p.Asp24925= (NM_003319.4); c.94266T>C, p.Asp31422= (NM_133378.4); c.75150T>C, p.Asp25050= (NM_133432.3); c.75351T>C, p.Asp25117= (NM_133437.4).
Identifiers: ClinVar variation 1096909 (VCV001096909.33), dbSNP rs375585777, ClinGen allele CA60959585.